The following is an entry in ClinVar:

NM_004415.4(DSP):c.4021C>T (p.Arg1341Cys)

Gene: DSP (desmoplakin; plus strand). Cytogenetic location: 6p24.3.
Variant type: single nucleotide variant.
Coding change: c.4021C>T on transcript NM_004415.4 (MANE Select); coding-DNA position 4021, C replaced by T.
Protein change: p.Arg1341Cys; replaces arginine 1341 with cysteine.
Molecular consequence: missense variant. On other transcripts: intron variant (1).
Genome position (GRCh38, 1-based): chr6:7,580,211, C>T. VCF-style: chr6-7580211-C-T. GRCh37 (hg19) VCF-style: chr6-7580444-C-T.
Other names: c.4021C>T, p.Arg1341Cys (NM_001319034.2); c.3582+439C>T (NM_001008844.3); short protein forms R1341C.
Identifiers: ClinVar variation 928163 (VCV000928163.17), dbSNP rs547568275, ClinGen allele CA039870.

ClinVar aggregate classification (germline): Conflicting classifications of pathogenicity. Review status: criteria provided, conflicting classifications (1 of 4 stars). 5 submissions from 5 submitters: Uncertain significance (4); Likely benign (1). Last evaluated 2025-08-25.

Conditions:
Cardiovascular phenotype. Identifiers: MedGen CN230736.
Arrhythmogenic cardiomyopathy with wooly hair and keratoderma. Also called: PALMOPLANTAR KERATODERMA WITH LEFT VENTRICULAR CARDIOMYOPATHY AND WOOLLY HAIR; Carvajal syndrome; Dilated cardiomyopathy with woolly hair and keratoderma; Arrhythmogenic cardiomyopathy with woolly hair and keratoderma. Identifiers: Orphanet 65282, MedGen C1854063, MONDO:0011581, OMIM 605676.
Arrhythmogenic right ventricular dysplasia 8 (ARVD8). Also called: ARRHYTHMOGENIC RIGHT VENTRICULAR DYSPLASIA, FAMILIAL, 8; Arrhythmogenic Right Ventricular Dysplasia/Cardiomyopathy 8; ARRHYTHMOGENIC RIGHT VENTRICULAR CARDIOMYOPATHY 8. Identifiers: MedGen C1843896, MONDO:0011831, OMIM 607450.
Cardiomyopathy (CMYO). Also called: Cardiomyopathies. Identifiers: Orphanet 167848, MedGen C0878544, MONDO:0004994, HP:0001638. Inheritance: Various modes of inheritance.

Allele frequency attached by ClinVar (database versions not stated): gnomAD exomes below 0.00001; ExAC 0.00001; gnomAD 0.00001 and 0.00002; TOPMed 0.00001; 1000 Genomes Project 0.00020; 1000 Genomes Project 30x 0.00031.
gnomAD v4.1: 12 of 1,613,808 alleles (0.00074%); highest among the groups gnomAD compares: Admixed American, 0.0083%; no homozygotes.

Submissions (5):

Color Diagnostics, LLC DBA Color Health
Classification: Uncertain significance for Cardiomyopathy. Last evaluated: 2025-08-25. Review status: criteria provided, single submitter. Criteria: ACMG Guidelines, 2015. Collection method: clinical testing. Allele origin: germline.
Comment: This missense variant replaces arginine with cysteine at codon 1341 of the DSP protein. Computational prediction is inconclusive regarding the impact of this variant on protein structure and function. To our knowledge, functional studies have not been reported for this variant. This variant has not been reported in individuals affected with DSP-related disorders in the literature. This variant has been identified in 1/250664 chromosomes in the general population by the Genome Aggregation Database (gnomAD). The available evidence is insufficient to determine the role of this variant in disease conclusively. Therefore, this variant is classified as a Variant of Uncertain Significance.

Labcorp Genetics (formerly Invitae), Labcorp
Classification: Likely benign for Arrhythmogenic cardiomyopathy with wooly hair and keratoderma; Arrhythmogenic right ventricular dysplasia 8. Last evaluated: 2025-05-06. Review status: criteria provided, single submitter. Criteria: Invitae Variant Classification Sherloc (09022015). Collection method: clinical testing. Allele origin: germline.

Ambry Genetics
Classification: Uncertain significance for Cardiovascular phenotype. Last evaluated: 2025-01-23. Review status: criteria provided, single submitter. Criteria: Ambry Variant Classification Scheme 2023. Collection method: clinical testing. Allele origin: germline.
Comment: The p.R1341C variant (also known as c.4021C>T), located in coding exon 23 of the DSP gene, results from a C to T substitution at nucleotide position 4021. The arginine at codon 1341 is replaced by cysteine, an amino acid with highly dissimilar properties. This amino acid position is well conserved in available vertebrate species. In addition, this alteration is predicted to be deleterious by in silico analysis. Based on the available evidence, the clinical significance of this variant remains unclear.

All of Us Research Program, National Institutes of Health
Classification: Uncertain significance for Arrhythmogenic cardiomyopathy with wooly hair and keratoderma. Last evaluated: 2024-09-23. Review status: criteria provided, single submitter. Criteria: ACMG Guidelines, 2015. Collection method: clinical testing. Allele origin: germline. Inheritance: Autosomal dominant inheritance. Observed: 6 variant alleles, 6 heterozygotes.
Comment: This missense variant replaces arginine with cysteine at codon 1341 of the DSP protein. Computational prediction is inconclusive regarding the impact of this variant on protein structure and function (internally defined REVEL score threshold 0.5 < inconclusive < 0.7, PMID: 27666373). To our knowledge, functional studies have not been reported for this variant. This variant has not been reported in individuals affected with cardiovascular disorders in the literature. This variant has not been identified in the general population by the Genome Aggregation Database (gnomAD). The available evidence is insufficient to determine the role of this variant in disease conclusively. Therefore, this variant is classified as a Variant of Uncertain Significance.

This study involves interpretation of variants in research participants for the purpose of population health screening. Participant phenotype was not available at the time of variant classification. Additional details can be found in publication PMID: 35346344, PMCID: PMC8962531

GeneDx
Classification: Uncertain significance. Last evaluated: 2020-10-02. Review status: criteria provided, single submitter. Criteria: GeneDx Variant Classification Process June 2021. Collection method: clinical testing. Allele origin: germline. Affected: yes.
Comment: Has not been previously published as pathogenic or benign to our knowledge; Reported in ClinVar as a variant of uncertain significance (ClinVar Variant ID# 928163; Landrum et al., 2016); Not observed at a significance frequency in large population cohorts (Lek et al., 2016); In silico analysis, which includes protein predictors and evolutionary conservation, supports a deleterious effect